The following is an entry in ClinVar:

ClinVar aggregate classification (germline): Uncertain significance (0 of 4 stars; one submission).

Conditions:
HECTD4-related disorder. Also called: HECTD4-related condition.

gnomAD v4.1: 3 of 1,613,948 alleles (0.00019%); highest among the groups gnomAD compares: Non-Finnish European, 0.00025%; no homozygotes.

Submission:

PreventionGenetics, part of Exact Sciences
Classification: Uncertain significance for HECTD4-related condition. Last evaluated: 2023-11-13. Review status: no assertion criteria provided. Collection method: clinical testing. Allele origin: germline.
Comment: The HECTD4 c.3365C>T variant is predicted to result in the amino acid substitution p.Pro1122Leu. To our knowledge, this variant has not been reported in the literature. This variant is reported in 0.0054% of alleles in individuals of East Asian descent in gnomAD. At this time, the clinical significance of this variant is uncertain due to the absence of conclusive functional and genetic evidence.

NM_001388303.1(HECTD4):c.3767C>T (p.Pro1256Leu)

Gene: HECTD4 (HECT domain E3 ubiquitin protein ligase 4; minus strand). Cytogenetic location: 12q24.13.
Variant type: single nucleotide variant.
Coding change: c.3767C>T on transcript NM_001388303.1 (MANE Select); coding-DNA position 3767, C replaced by T.
Protein change: p.Pro1256Leu; replaces proline 1256 with leucine.
Molecular consequence: missense variant.
Genome position (GRCh38, 1-based): chr12:112,250,327, G>A on the plus strand (C>T on the coding strand, the complement: HECTD4 is on the minus strand). VCF-style: chr12-112250327-G-A. GRCh37 (hg19) VCF-style: chr12-112688131-G-A.
Other names: c.3797C>T, p.Pro1266Leu (NM_001109662.4); short protein forms P1256L, P1266L.
Identifiers: ClinVar variation 3029476 (VCV003029476.2), dbSNP rs1208722334, ClinGen allele CA386803821.
Genomic context (GRCh38, chr12:112,250,327, plus strand): 5'-TCAGAGGGGTAGGTGAATTCTCTGTCTTCCTCTATGGTCAGAGGCAGTGGAGAGGGGCTC[G>A]GAGTAAGGGCAGGGGAGATCACGCCATTGGCCTCCACCTGCCACTGGCACCTGAGCAGAC-3'
Protein context (NP_001375232.1, residues 1246-1266): ANGVISPALT[Pro1256Leu]SPSPLPLTIE